The following is an entry in ClinVar:

ClinVar aggregate classification (germline): Likely benign (1 of 4 stars; one submission).

Submission:

CeGaT Center for Human Genetics Tuebingen
Classification: Likely benign. Last evaluated: 2026-07-01. Review status: criteria provided, single submitter. Criteria: CeGaT Center For Human Genetics Tuebingen Variant Classification Criteria Version 2. Collection method: clinical testing. Allele origin: germline. Affected: yes. Observed: 1 variant allele.
Comment: MST1: BP4

NM_020998.4(MST1):c.470+6A>T

Gene: MST1 (macrophage stimulating 1; minus strand). Cytogenetic location: 3p21.31.
Variant type: single nucleotide variant.
Coding change: c.470+6A>T on transcript NM_020998.4 (MANE Select); 6 bases into the intron after coding-DNA position 470, A replaced by T.
Molecular consequence: intron variant.
Genome position (GRCh38, 1-based): chr3:49,687,358, T>A on the plus strand (A>T on the coding strand, the complement: MST1 is on the minus strand). VCF-style: chr3-49687358-T-A. GRCh37 (hg19) VCF-style: chr3-49724791-T-A.
Other names: c.470+6A>T (NM_001393584.1, NM_001393581.1, NM_001393583.1 and 2 more transcripts).
Identifiers: ClinVar variation 5041892 (VCV005041892.1).
Genomic context (GRCh38, chr3:49,687,358, plus strand): 5'-AGCATCACTATAGTGTGTGCTGGGGGAAGGCCCCAGGCCGGGACGGAGGGAAGGTGTTTG[T>A]CTCACTTGTGATCATTTGGGAACTTGTGGCTCCAAGCCTGGCAGGGCAGGCCACCCACGG-3'